The following is an entry in ClinVar:

NM_003719.5(PDE8B):c.971G>A (p.Arg324Gln)

Gene: PDE8B (phosphodiesterase 8B; plus strand). Cytogenetic location: 5q13.3.
Variant type: single nucleotide variant.
Coding change: c.971G>A on transcript NM_003719.5 (MANE Select); coding-DNA position 971, G replaced by A.
Protein change: p.Arg324Gln; replaces arginine 324 with glutamine.
Molecular consequence: missense variant. On other transcripts: intron variant (9).
Genome position (GRCh38, 1-based): chr5:77,349,513, G>A. VCF-style: chr5-77349513-G-A. GRCh37 (hg19) VCF-style: chr5-76645338-G-A.
Other names: c.971G>A, p.Arg324Gln (NM_001029852.4, NM_001376063.1, NM_001376064.1); c.911G>A, p.Arg304Gln (NM_001029853.4); c.968G>A, p.Arg323Gln (NM_001349748.3, NM_001349751.3); c.1034G>A, p.Arg345Gln (NM_001349749.3); c.731G>A, p.Arg244Gln (NM_001349750.3); c.665G>A, p.Arg222Gln (NM_001349752.3); c.599G>A, p.Arg200Gln (NM_001349753.2, NM_001376067.1, NM_001376068.1 and 2 more transcripts); c.668G>A, p.Arg223Gln (NM_001376062.1, NM_001376072.1); and 10 more; short protein forms R200Q, R203Q, R222Q, R223Q, R244Q, R304Q, R323Q, R324Q.
Identifiers: ClinVar variation 2427819 (VCV002427819.7), dbSNP rs770351038, ClinGen allele CA3315090.

ClinVar aggregate classification (germline): Uncertain significance (1 of 4 stars; one submission).

gnomAD v4.1: 28 of 1,613,998 alleles (0.0017%); highest among the groups gnomAD compares: Non-Finnish European, 0.0019%; no homozygotes.

Submission:

Labcorp Genetics (formerly Invitae), Labcorp
Classification: Uncertain significance. Last evaluated: 2025-09-16. Review status: criteria provided, single submitter. Criteria: Invitae Variant Classification Sherloc (09022015). Collection method: clinical testing. Allele origin: germline.
Comment: This sequence change replaces arginine, which is basic and polar, with glutamine, which is neutral and polar, at codon 324 of the PDE8B protein (p.Arg324Gln). This variant is present in population databases (rs770351038, gnomAD 0.005%). This variant has not been reported in the literature in individuals affected with PDE8B-related conditions. ClinVar contains an entry for this variant (Variation ID: 2427819). An algorithm developed to predict the effect of missense changes on protein structure and function (PolyPhen-2) suggests that this variant is likely to be disruptive. In summary, the available evidence is currently insufficient to determine the role of this variant in disease. Therefore, it has been classified as a Variant of Uncertain Significance.